The following is an entry in ClinVar:

NM_004004.6(GJB2):c.38T>G (p.Val13Gly)

Gene: GJB2 (gap junction protein beta 2; minus strand). Cytogenetic location: 13q12.11.
Variant type: single nucleotide variant.
Coding change: c.38T>G on transcript NM_004004.6 (MANE Select); coding-DNA position 38, T replaced by G.
Protein change: p.Val13Gly; replaces valine 13 with glycine.
Molecular consequence: missense variant.
Genome position (GRCh38, 1-based): chr13:20,189,544, A>C on the plus strand (T>G on the coding strand, the complement: GJB2 is on the minus strand). VCF-style: chr13-20189544-A-C. GRCh37 (hg19) VCF-style: chr13-20763683-A-C.
Other names: short protein forms V13G.
Identifiers: ClinVar variation 811469 (VCV000811469.8), dbSNP rs1593351795, ClinGen allele CA387462207.
Genomic context (GRCh38, chr13:20,189,544, plus strand): 5'-ATGCGAAAAATGAAGAGGACGGTGAGCCAGATCTTTCCAATGCTGGTGGAGTGTTTGTTC[A>C]CACCCCCCAGGATCGTCTGCAGCGTGCCCCAATCCATCTTCTACTCTGGGCGGTTTGCTC-3'
Protein context (NP_003995.2, residues 3-23): WGTLQTILGG[Val13Gly]NKHSTSIGKI

ClinVar aggregate classification (germline): Uncertain significance (1 of 4 stars; one submission).

Submission:

ARUP Laboratories, Molecular Genetics and Genomics, ARUP Laboratories
Classification: Uncertain significance. Last evaluated: 2019-06-07. Review status: criteria provided, single submitter. Criteria: ARUP Molecular Germline Variant Investigation Process. Collection method: clinical testing. Allele origin: germline.
Comment: The GJB2 c.38T>G; p.Val13Gly variant, to our knowledge, is not reported in the medical literature or gene specific databases. This variant is also absent from general population databases (Exome Variant Server, Genome Aggregation Database), indicating it is not a common polymorphism. The valine at codon 13 is highly conserved, and computational analyses (SIFT, PolyPhen-2) predict that this variant is deleterious. Additionally, another variant at this codon (c.37G>A; p.Val13Met) has been reported in the compound heterozygous state in an individual from a large hearing loss cohort (Putcha 2007). However, due to limited information, the clinical significance of the p.Val13Gly variant is uncertain at this time. References: Putcha GV et al. A multicenter study of the frequency and distribution of GJB2 and GJB6 mutations in a large North American cohort. Genet Med. 2007 Jul;9(7):413-26.